The following is an entry in ClinVar:

ClinVar aggregate classification (germline): Likely benign (1 of 4 stars; one submission).

Allele frequency attached by ClinVar (database versions not stated): gnomAD exomes 0.00033; 1000 Genomes Project 0.00280; 1000 Genomes Project 30x 0.00281; gnomAD 0.00309 and 0.00336; TOPMed 0.00344.
gnomAD v4.1: 802 of 1,104,726 alleles (0.073%); highest among the groups gnomAD compares: African/African-American, 1.2%; 6 homozygotes.

Submission:

GeneDx
Classification: Likely benign. Last evaluated: 2018-06-16. Review status: criteria provided, single submitter. Criteria: GeneDx Variant Classification (06012015). Collection method: clinical testing. Allele origin: germline. Affected: yes.
Comment: This variant is considered likely benign or benign based on one or more of the following criteria: it is a conservative change, it occurs at a poorly conserved position in the protein, it is predicted to be benign by multiple in silico algorithms, and/or has population frequency not consistent with disease.

NM_001271.4(CHD2):c.4279-102A>T

Gene: CHD2 (chromodomain helicase DNA binding protein 2; plus strand). Cytogenetic location: 15q26.1.
Variant type: single nucleotide variant.
Coding change: c.4279-102A>T on transcript NM_001271.4 (MANE Select); 102 bases into the intron before coding-DNA position 4279, A replaced by T.
Molecular consequence: intron variant.
Genome position (GRCh38, 1-based): chr15:93,004,515, A>T. VCF-style: chr15-93004515-A-T. GRCh37 (hg19) VCF-style: chr15-93547745-A-T.
Identifiers: ClinVar variation 678166 (VCV000678166.1), dbSNP rs74029216, ClinGen allele CA274882876.